The following is an entry in ClinVar:

NM_001278116.2(L1CAM):c.2541A>G (p.Gly847=)

Gene: L1CAM (L1 cell adhesion molecule; minus strand). Cytogenetic location: Xq28.
Variant type: single nucleotide variant.
Coding change: c.2541A>G on transcript NM_001278116.2 (MANE Select); coding-DNA position 2541, A replaced by G.
Protein change: p.Gly847=; no amino-acid change (glycine 847 retained).
Molecular consequence: synonymous variant.
Genome position (GRCh38, 1-based): chrX:153,865,710, T>C on the plus strand (A>G on the coding strand, the complement: L1CAM is on the minus strand). VCF-style: chrX-153865710-T-C. GRCh37 (hg19) VCF-style: chrX-153131165-T-C.
Other names: c.2541A>G, p.Gly847= (NM_000425.5, NM_024003.3); c.2526A>G, p.Gly842= (NM_001143963.2).
Identifiers: ClinVar variation 1349046 (VCV001349046.8), dbSNP rs2148494333, ClinGen allele CA519202923.

ClinVar aggregate classification (germline): Uncertain significance (1 of 4 stars; one submission).

Conditions:
Spastic paraplegia. Identifiers: MedGen C0037772, HP:0001258.

Submission:

Labcorp Genetics (formerly Invitae), Labcorp
Classification: Uncertain significance for Spastic paraplegia. Last evaluated: 2021-04-26. Review status: criteria provided, single submitter. Criteria: Invitae Variant Classification Sherloc (09022015). Collection method: clinical testing. Allele origin: germline.
Comment: In summary, the available evidence is currently insufficient to determine the role of this variant in disease. Therefore, it has been classified as a Variant of Uncertain Significance. Algorithms developed to predict the effect of sequence changes on RNA splicing suggest that this variant may create or strengthen a splice site, but this prediction has not been confirmed by published transcriptional studies. This variant has not been reported in the literature in individuals with L1CAM-related conditions. This variant is not present in population databases (ExAC no frequency). This sequence change affects codon 847 of the L1CAM mRNA. It is a 'silent' change, meaning that it does not change the encoded amino acid sequence of the L1CAM protein.